The following is an entry in ClinVar:

NC_000001.10:g.(?_1146935)_(3768971_?)del

Genes: ACAP3 (ArfGAP with coiled-coil, ankyrin repeat and PH domains 3; minus strand), ACTRT2 (actin related protein T2; plus strand), ANKRD65 (ankyrin repeat domain 65; minus strand), ARHGEF16 (Rho guanine nucleotide exchange factor 16; plus strand), ATAD3A (ATPase family AAA domain containing 3A; plus strand) and 57 more. Cytogenetic location: 1p36.33-36.32.
Variant type: Deletion.
Identifiers: ClinVar variation 3247720 (VCV003247720.1).

ClinVar aggregate classification (germline): Uncertain significance (1 of 4 stars; one submission).

Conditions:
Shprintzen-Goldberg syndrome (SGS). Also called: SHPRINTZEN-GOLDBERG CRANIOSYNOSTOSIS SYNDROME; CRANIOSYNOSTOSIS WITH ARACHNODACTYLY AND ABDOMINAL HERNIAS; Marfanoid disorder with craniosynostosis type 1; Marfanoid craniosynostosis syndrome; Shprintzen-Goldberg marfanoid syndrome. Identifiers: Orphanet 2462, MedGen C1321551, MONDO:0008426, OMIM 182212.

Submission:

Labcorp Genetics (formerly Invitae), Labcorp
Classification: Uncertain significance for Shprintzen-Goldberg syndrome. Last evaluated: 2023-12-07. Review status: criteria provided, single submitter. Criteria: Invitae Variant Classification Sherloc (09022015). Collection method: clinical testing. Allele origin: unknown.
Comment: A gross deletion of the genomic region encompassing the full coding sequence of the SKI gene has been identified. The current clinical and genetic evidence is not sufficient to establish whether loss-of-function variants in SKI cause disease. The boundaries of this event are unknown as they extend beyond the assayed region for this gene and therefore may encompass additional genes. Isolated whole-gene deletions of SKI have not been reported in the literature. However, larger copy number events that include this gene have been reported (PMID: 23892090, 31602316). In summary, the available evidence is currently insufficient to determine the role of this variant in disease. Therefore, it has been classified as a Variant of Uncertain Significance.

Literature cited by the submitters: PubMed 23892090; PubMed 31602316.